The following is an entry in ClinVar:

ClinVar aggregate classification (germline): Uncertain significance. Review status: criteria provided, multiple submitters, no conflicts (2 of 4 stars). 4 submissions from 4 submitters: Uncertain significance (4). Last evaluated 2023-10-30.

Conditions:
Cardiomyopathy (CMYO). Also called: Cardiomyopathies. Identifiers: Orphanet 167848, MedGen C0878544, MONDO:0004994, HP:0001638. Inheritance: Various modes of inheritance.
Primary familial hypertrophic cardiomyopathy (HCM). Identifiers: Orphanet 99739, MedGen C0949658, MeSH D024741, MONDO:0024573. Inheritance: Various modes of inheritance.
Hypertrophic cardiomyopathy. Also called: HYPERTROPHIC MYOCARDIOPATHY. Identifiers: Orphanet 217569, MedGen C0007194, MeSH D002312, MONDO:0005045, HP:0001639.

Submissions (4):

All of Us Research Program, National Institutes of Health
Classification: Uncertain significance for Cardiomyopathy. Last evaluated: 2023-10-30. Review status: criteria provided, single submitter. Criteria: ACMG Guidelines, 2015. Collection method: clinical testing. Allele origin: germline. Inheritance: Autosomal dominant inheritance. Observed: 2 variant alleles, 2 heterozygotes.
Comment: This missense variant replaces methionine with threonine at codon 932 of the MYH7 protein. Computational prediction suggests that this variant may not impact protein structure and function (internally defined REVEL score threshold <= 0.5, PMID: 27666373). To our knowledge, functional studies have not been reported for this variant. This variant has not been reported in individuals affected with cardiovascular disorders in the literature. This variant has not been identified in the general population by the Genome Aggregation Database (gnomAD). The available evidence is insufficient to determine the role of this variant in disease conclusively. Therefore, this variant is classified as a Variant of Uncertain Significance.

This study involves interpretation of variants in research participants for the purpose of population health screening. Participant phenotype was not available at the time of variant classification. Additional details can be found in publication PMID: 35346344, PMCID: PMC8962531

Labcorp Genetics (formerly Invitae), Labcorp
Classification: Uncertain significance for Hypertrophic cardiomyopathy. Last evaluated: 2022-01-19. Review status: criteria provided, single submitter. Criteria: Invitae Variant Classification Sherloc (09022015). Collection method: clinical testing. Allele origin: germline.
Comment: In summary, the available evidence is currently insufficient to determine the role of this variant in disease. Therefore, it has been classified as a Variant of Uncertain Significance. This variant disrupts the p.Met932 amino acid residue in MYH7. Other variant(s) that disrupt this residue have been determined to be pathogenic (PMID: 21302287, 28002430). This suggests that this residue is clinically significant, and that variants that disrupt this residue are likely to be disease-causing. This variant is found within a region of MYH7 between codons 181 and 937 that contains the majority of the myosin head domain. Missense variants in this region have been shown to be significantly overrepresented in individuals with hypertrophic cardiomyopathy (PMID: 27532257). Algorithms developed to predict the effect of missense changes on protein structure and function output the following: SIFT: "Deleterious"; PolyPhen-2: "Benign"; Align-GVGD: "Class C65". The threonine amino acid residue is found in multiple mammalian species, which suggests that this missense change does not adversely affect protein function. ClinVar contains an entry for this variant (Variation ID: 191732). This variant has not been reported in the literature in individuals affected with MYH7-related conditions. This variant is not present in population databases (gnomAD no frequency). This sequence change replaces methionine, which is neutral and non-polar, with threonine, which is neutral and polar, at codon 932 of the MYH7 protein (p.Met932Thr).

CHEO Genetics Diagnostic Laboratory, Children's Hospital of Eastern Ontario
Classification: Uncertain significance for Cardiomyopathy. Last evaluated: 2015-12-01. Review status: criteria provided, single submitter. Criteria: ACMG Guidelines, 2015. Collection method: clinical testing. Allele origin: germline. Study: Canadian Open Genetics Repository.

Biesecker Lab/Clinical Genomics Section, National Institutes of Health
Classification: Uncertain significance for Cardiomyopathy, hypertrophic. Last evaluated: 2013-06-24. Review status: criteria provided, single submitter. Criteria: Ng et al. (Circ Cardiovasc Genet. 2013). Collection method: research. Allele origin: unknown. Observed: 1 variant allele. Study: ClinSeq.
Comment: The study set was not selected for affection status in relation to any cancer. Pathogenicity categories were based on literature curation. See Pubmed ID:23861362 for details.

Medical sequencing

Literature cited by the submitters: PubMed 21302287 (cited by Labcorp Genetics (formerly Invitae), Labcorp); PubMed 28002430 (cited by Labcorp Genetics (formerly Invitae), Labcorp); PubMed 27532257 (cited by Labcorp Genetics (formerly Invitae), Labcorp).

NM_000257.4(MYH7):c.2795T>C (p.Met932Thr)

Gene: MYH7 (myosin heavy chain 7; minus strand). Cytogenetic location: 14q11.2.
Variant type: single nucleotide variant.
Coding change: c.2795T>C on transcript NM_000257.4 (MANE Select); coding-DNA position 2795, T replaced by C.
Protein change: p.Met932Thr; replaces methionine 932 with threonine.
Molecular consequence: missense variant.
Genome position (GRCh38, 1-based): chr14:23,424,034, A>G on the plus strand (T>C on the coding strand, the complement: MYH7 is on the minus strand). VCF-style: chr14-23424034-A-G. GRCh37 (hg19) VCF-style: chr14-23893243-A-G.
Other names: c.2795T>C (LRG_384t1); short protein forms M932T.
Identifiers: ClinVar variation 191732 (VCV000191732.9), dbSNP rs202097576, ClinGen allele CA013102.